The following is an entry in ClinVar:

NM_012414.4(RAB3GAP2):c.1648C>T (p.Arg550Ter)

Gene: RAB3GAP2 (RAB3 GTPase activating non-catalytic protein subunit 2; minus strand). Cytogenetic location: 1q41.
Variant type: single nucleotide variant.
Coding change: c.1648C>T on transcript NM_012414.4 (MANE Select); coding-DNA position 1648, C replaced by T.
Protein change: p.Arg550Ter; replaces arginine 550 with a stop codon.
Molecular consequence: nonsense.
Genome position (GRCh38, 1-based): chr1:220,190,130, G>A on the plus strand (C>T on the coding strand, the complement: RAB3GAP2 is on the minus strand). VCF-style: chr1-220190130-G-A. GRCh37 (hg19) VCF-style: chr1-220363472-G-A.
Other names: short protein forms R550*.
Identifiers: ClinVar variation 4977253 (VCV004977253.1).

ClinVar aggregate classification (germline): Likely pathogenic (1 of 4 stars; one submission).

Conditions:
RAB3GAP2-related disorder. Also called: RAB3GAP2-related condition; RAB3GAP2-related disorders.

gnomAD v4.1: 4 of 1,612,498 alleles (0.00025%); highest among the groups gnomAD compares: East Asian, 0.0022%; no homozygotes.

Submission:

PreventionGenetics, part of Exact Sciences
Classification: Likely pathogenic for RAB3GAP2-related condition. Last evaluated: 2026-02-16. Review status: criteria provided, single submitter. Criteria: ACMG Guidelines, 2015. Collection method: clinical testing. Allele origin: germline.
Comment: The RAB3GAP2 c.1648C>T variant is predicted to result in premature protein termination (p.Arg550*). To our knowledge, this variant has not been reported in the literature or in a large population database (gnomAD), indicating this variant is rare. Nonsense variants in RAB3GAP2 are expected to be pathogenic. This variant is interpreted as likely pathogenic.